The following is an entry in ClinVar:

NM_001876.4(CPT1A):c.1160A>T (p.Asp387Val)

Gene: CPT1A (carnitine palmitoyltransferase 1A; minus strand). Cytogenetic location: 11q13.3.
Variant type: single nucleotide variant.
Coding change: c.1160A>T on transcript NM_001876.4 (MANE Select); coding-DNA position 1160, A replaced by T.
Protein change: p.Asp387Val; replaces aspartic acid 387 with valine.
Molecular consequence: missense variant.
Genome position (GRCh38, 1-based): chr11:68,784,818, T>A on the plus strand (A>T on the coding strand, the complement: CPT1A is on the minus strand). VCF-style: chr11-68784818-T-A. GRCh37 (hg19) VCF-style: chr11-68552286-T-A.
Other names: c.1160A>T, p.Asp387Val (NM_001031847.3); c.1160A>T (NM_001876.3); short protein forms D387V.
Identifiers: ClinVar variation 2163954 (VCV002163954.2), dbSNP rs2495587375, ClinGen allele CA381632615.

ClinVar aggregate classification (germline): Uncertain significance. Review status: criteria provided, multiple submitters, no conflicts (2 of 4 stars). 2 submissions from 2 submitters: Uncertain significance (2). Last evaluated 2024-10-25.

Conditions:
Inborn genetic diseases. Identifiers: MedGen C0950123, MeSH D030342.
Carnitine palmitoyl transferase 1A deficiency. Also called: CPT I DEFICIENCY; CPT DEFICIENCY, HEPATIC, TYPE I; Carnitine palmitoyltransferase 1A deficiency; Carnitine palmitoyltransferase type I deficiency; CPT deficiency, hepatic, type IA. Identifiers: Orphanet 156, MedGen C1829703, MONDO:0009705, OMIM 255120.

Submissions (2):

Ambry Genetics
Classification: Uncertain significance for Inborn genetic diseases. Last evaluated: 2024-10-25. Review status: criteria provided, single submitter. Criteria: Ambry Variant Classification Scheme 2023. Collection method: clinical testing. Allele origin: germline.

Labcorp Genetics (formerly Invitae), Labcorp
Classification: Uncertain significance for Carnitine palmitoyl transferase 1A deficiency. Last evaluated: 2022-04-18. Review status: criteria provided, single submitter. Criteria: Invitae Variant Classification Sherloc (09022015). Collection method: clinical testing. Allele origin: germline.
Comment: This sequence change replaces aspartic acid, which is acidic and polar, with valine, which is neutral and non-polar, at codon 387 of the CPT1A protein (p.Asp387Val). This variant is not present in population databases (gnomAD no frequency). This variant has not been reported in the literature in individuals affected with CPT1A-related conditions. Algorithms developed to predict the effect of missense changes on protein structure and function (SIFT, PolyPhen-2, Align-GVGD) all suggest that this variant is likely to be tolerated. In summary, the available evidence is currently insufficient to determine the role of this variant in disease. Therefore, it has been classified as a Variant of Uncertain Significance.